The following is an entry in ClinVar:

NM_020708.5(SLC12A5):c.2855G>A (p.Arg952His)

Gene: SLC12A5 (solute carrier family 12 member 5; plus strand). Cytogenetic location: 20q13.12.
Variant type: single nucleotide variant.
Coding change: c.2855G>A on transcript NM_020708.5 (MANE Select); coding-DNA position 2855, G replaced by A.
Protein change: p.Arg952His; replaces arginine 952 with histidine.
Molecular consequence: missense variant.
Genome position (GRCh38, 1-based): chr20:46,056,217, G>A. VCF-style: chr20-46056217-G-A. GRCh37 (hg19) VCF-style: chr20-44684856-G-A.
Other names: SLC12A5, ARG952HIS (rs142740233); c.2924G>A, p.Arg975His (NM_001134771.2); short protein forms R952H, R975H.
Identifiers: ClinVar variation 218377 (VCV000218377.48), dbSNP rs142740233, ClinGen allele CA214744.

ClinVar aggregate classification (germline): Conflicting classifications of pathogenicity. Review status: criteria provided, conflicting classifications (1 of 4 stars). 9 submissions from 9 submitters: Uncertain significance (3); Benign (2); Likely benign (2). 2 of the submissions do not count toward it. Last evaluated 2026-04-01.

Conditions:
SLC12A5-related disorder. Also called: SLC12A5-related condition.
Developmental and epileptic encephalopathy, 34 (DEE34). Also called: Early infantile epileptic encephalopathy 34; SLC12A5-Related Epilepsy of Infancy with Migrating Focal Seizures. Identifiers: Orphanet 293181, MedGen C4225257, MONDO:0014718, OMIM 616645.
Epilepsy, idiopathic generalized, susceptibility to, 14 (EIG14). Identifiers: MedGen C4225245, MONDO:0014734, OMIM 616685.

Allele frequency attached by ClinVar (database versions not stated): ESP Exome Variant Server 0.00054; TOPMed 0.00099; gnomAD 0.00102; gnomAD exomes 0.00216; ExAC 0.00336; 1000 Genomes Project 0.00359; 1000 Genomes Project 30x 0.00375.
gnomAD v4.1: 3,364 of 1,614,188 alleles (0.21%); highest among the groups gnomAD compares: South Asian, 1.9%; 42 homozygotes.

Submissions (9):

CeGaT Center for Human Genetics Tuebingen
Classification: Likely benign. Last evaluated: 2026-04-01. Review status: criteria provided, single submitter. Criteria: CeGaT Center For Human Genetics Tuebingen Variant Classification Criteria Version 2. Collection method: clinical testing. Allele origin: germline. Affected: yes. Observed: 14 variant alleles.
Comment: SLC12A5: BP4

Labcorp Genetics (formerly Invitae), Labcorp
Classification: Benign for Developmental and epileptic encephalopathy, 34. Last evaluated: 2026-01-19. Review status: criteria provided, single submitter. Criteria: Invitae Variant Classification Sherloc (09022015). Collection method: clinical testing. Allele origin: germline.

Genomic Medicine Center of Excellence, King Faisal Specialist Hospital and Research Centre
Classification: Uncertain significance for Epilepsy, idiopathic generalized, susceptibility to, 14. Last evaluated: 2025-09-10. Review status: criteria provided, single submitter. Criteria: ACMG Guidelines, 2015. Collection method: clinical testing. Allele origin: germline.

Blueprint Genetics
Classification: Likely benign. Last evaluated: 2024-11-05. Review status: criteria provided, single submitter. Criteria: ACMG Guidelines, 2015. Collection method: clinical testing. Allele origin: germline.

Department of Pathology and Laboratory Medicine, Sinai Health System
Classification: Uncertain significance for Developmental and epileptic encephalopathy, 34. Last evaluated: 2023-02-27. Review status: criteria provided, single submitter. Criteria: ACMG Guidelines, 2015. Collection method: research. Allele origin: germline.

Mendelics
Classification: Benign for Developmental and epileptic encephalopathy, 34. Last evaluated: 2019-05-28. Review status: criteria provided, single submitter. Criteria: Mendelics Assertion Criteria 2017. Collection method: clinical testing. Allele origin: unknown.

Broad Center for Mendelian Genomics, Broad Institute of MIT and Harvard
Classification: Uncertain significance for Epilepsy, idiopathic generalized, susceptibility to, 14. Review status: criteria provided, single submitter. Criteria: ACMG Guidelines, 2015. Collection method: research. Allele origin: germline. Affected: yes.
Comment: The heterozygous p.Arg952His variant, sometimes called p.Arg975His due to a difference in cDNA numbering, in SLC12A5 has been identified in 8 individuals with febrile seizures, segregated with disease in at least 3 affected relatives from 1 family, was present in at least 7 unaffected individuals (PMID: 24668262, 24928908), and has been identified in >1% of South Asian chromosomes and 4 homozygotes by ExAC. In vitro functional studies provide some evidence that the p.Arg952His variant may slightly impact protein function (PMID: 24668262). However, these types of assays may not accurately represent biological function. In summary, the clinical significance of this variant is uncertain.

PreventionGenetics, part of Exact Sciences
Classification: Likely benign for SLC12A5-related condition. Last evaluated: 2020-03-17. Review status: no assertion criteria provided. Collection method: clinical testing. Allele origin: germline. Not counted in ClinVar's aggregate classification.
Comment: This variant is classified as likely benign based on ACMG/AMP sequence variant interpretation guidelines (Richards et al. 2015 PMID: 25741868, with internal and published modifications).

OMIM
Classification: risk factor for EPILEPSY, IDIOPATHIC GENERALIZED, SUSCEPTIBILITY TO, 14. Last evaluated: 2014-07-01. Review status: no assertion criteria provided. Collection method: literature only. Allele origin: germline. Not counted in ClinVar's aggregate classification.

Literature cited by the submitters: PubMed 24668262 (cited by Broad Center for Mendelian Genomics, Broad Institute of MIT and Harvard and OMIM); PubMed 24928908 (cited by Broad Center for Mendelian Genomics, Broad Institute of MIT and Harvard and OMIM); PubMed 27535533 (cited by OMIM).